The following is an entry in ClinVar:

ClinVar aggregate classification (germline): Uncertain significance (1 of 4 stars; one submission).

Conditions:
Cardiovascular phenotype. Identifiers: MedGen CN230736.

gnomAD v4.1: 6 of 1,433,704 alleles (0.00042%); highest among the groups gnomAD compares: East Asian, 0.0028%; no homozygotes.

Submission:

Ambry Genetics
Classification: Uncertain significance for Cardiovascular phenotype. Last evaluated: 2026-09-12. Review status: criteria provided, single submitter. Criteria: Ambry Variant Classification Scheme 2023. Collection method: clinical testing. Allele origin: germline.
Comment: The p.A511S variant (also known as c.1531G>T), located in coding exon 4 of the JPH2 gene, results from a G to T substitution at nucleotide position 1531. The alanine at codon 511 is replaced by serine, an amino acid with similar properties. This amino acid position is conserved. In addition, this alteration is predicted to be tolerated by in silico analysis. Based on the available evidence, the clinical significance of this variant remains unclear.

NM_020433.5(JPH2):c.1531G>T (p.Ala511Ser)

Gene: JPH2 (junctophilin 2; minus strand). Cytogenetic location: 20q13.12.
Variant type: single nucleotide variant.
Coding change: c.1531G>T on transcript NM_020433.5 (MANE Select); coding-DNA position 1531, G replaced by T.
Protein change: p.Ala511Ser; replaces alanine 511 with serine.
Molecular consequence: missense variant.
Genome position (GRCh38, 1-based): chr20:44,116,144, C>A on the plus strand (G>T on the coding strand, the complement: JPH2 is on the minus strand). VCF-style: chr20-44116144-C-A. GRCh37 (hg19) VCF-style: chr20-42744784-C-A.
Other names: short protein forms A511S.
Identifiers: ClinVar variation 5022908 (VCV005022908.1).